The following is an entry in ClinVar:

ClinVar aggregate classification (germline): Uncertain significance (1 of 4 stars; one submission).

Conditions:
Cardiovascular phenotype. Identifiers: MedGen CN230736.
Hereditary cancer-predisposing syndrome. Also called: Tumor predisposition; Neoplastic Syndromes, Hereditary; Hereditary Cancer Syndrome; Hereditary neoplastic syndrome. Identifiers: Orphanet 140162, MedGen C0027672, MeSH D009386, MONDO:0015356.

Submission:

Ambry Genetics
Classification: Uncertain significance for Cardiovascular phenotype; Hereditary cancer-predisposing syndrome. Last evaluated: 2025-02-20. Review status: criteria provided, single submitter. Criteria: Ambry Variant Classification Scheme 2023. Collection method: clinical testing. Allele origin: germline.
Comment: The p.S2334C variant (also known as c.7000A>T) is located in coding exon 47 of the NF1 gene. The serine at codon 2334 is replaced by cysteine, an amino acid with dissimilar properties. This change occurs in the first base pair of coding exon 47. This amino acid position is conserved. In addition, the in silico prediction for this alteration is inconclusive. Based on the available evidence, the clinical significance of this variant remains unclear.

NM_001042492.3(NF1):c.7063A>T (p.Ser2355Cys)

Gene: NF1 (neurofibromin 1; plus strand). Cytogenetic location: 17q11.2.
Variant type: single nucleotide variant.
Coding change: c.7063A>T on transcript NM_001042492.3 (MANE Select); coding-DNA position 7063, A replaced by T.
Protein change: p.Ser2355Cys; replaces serine 2355 with cysteine.
Molecular consequence: missense variant.
Genome position (GRCh38, 1-based): chr17:31,343,009, A>T. VCF-style: chr17-31343009-A-T. GRCh37 (hg19) VCF-style: chr17-29670027-A-T.
Other names: c.7000A>T, p.Ser2334Cys (NM_000267.4); short protein forms S2334C, S2355C.
Identifiers: ClinVar variation 3879127 (VCV003879127.1).
Genomic context (GRCh38, chr17:31,343,009, plus strand): 5'-AGCCTTTAAAGAAAGCTACTGTGTGAACCTCATCAACCATCTCATGATTATCTTTAATAG[A>T]GTCCAGAGGAAGTATTTATGGCAATCCGGAATCCTCTGGAGTGGCACTGCAAGCAAATGG-3'
Protein context (NP_001035957.1, residues 2345-2365): LDSLRIFNDK[Ser2355Cys]PEEVFMAIRN